The following is an entry in ClinVar:

ClinVar aggregate classification (germline): Pathogenic (1 of 4 stars; one submission).

Conditions:
Dilated cardiomyopathy 1KK (CMD1KK). Identifiers: Orphanet 154, Orphanet 75249, MedGen C3714995, MONDO:0014100, OMIM 615248.

Submission:

Labcorp Genetics (formerly Invitae), Labcorp
Classification: Pathogenic for Dilated cardiomyopathy 1KK. Last evaluated: 2025-12-10. Review status: criteria provided, single submitter. Criteria: Invitae Variant Classification Sherloc (09022015). Collection method: clinical testing. Allele origin: germline.
Comment: This sequence change creates a premature translational stop signal (p.Ala392Glufs*67) in the MYPN gene. It is expected to result in an absent or disrupted protein product. Loss-of-function variants in MYPN are known to be pathogenic (PMID: 28017374). This variant is present in population databases (no rsID available, gnomAD 0.003%). This variant has not been reported in the literature in individuals affected with MYPN-related conditions. Algorithms developed to predict the effect of sequence changes on RNA splicing suggest that this variant may disrupt the consensus splice site. For these reasons, this variant has been classified as Pathogenic.

Literature cited by the submitters: PubMed 28017374.

NM_032578.4(MYPN):c.1175del (p.Ala392fs)

Gene: MYPN (myopalladin; plus strand). Cytogenetic location: 10q21.3.
Variant type: Deletion.
Coding change: c.1175del on transcript NM_032578.4 (MANE Select); coding-DNA position 1175, one base deleted (C; older notation c.1175delC).
Protein change: p.Ala392fs; shifts the reading frame from alanine 392.
Molecular consequence: frameshift variant. On other transcripts: non-coding transcript variant (2).
Genome position (GRCh38, 1-based): chr10:68,148,397, C deleted. VCF-style (leftmost placement, unchanged base first): chr10-68148396-GC-G. GRCh37 (hg19) VCF-style: chr10-69908153-GC-G.
Other names: c.1175del, p.Ala392fs (NM_001256267.2); c.293del, p.Ala98fs (NM_001256268.2); short protein forms A98fs, A392fs.
Identifiers: ClinVar variation 4748569 (VCV004748569.1).